The following is an entry in ClinVar:

NM_198578.4(LRRK2):c.5616T>G (p.Asn1872Lys)

Gene: LRRK2 (leucine rich repeat kinase 2; plus strand). Cytogenetic location: 12q12.
Variant type: single nucleotide variant.
Coding change: c.5616T>G on transcript NM_198578.4 (MANE Select); coding-DNA position 5616, T replaced by G.
Protein change: p.Asn1872Lys; replaces asparagine 1872 with lysine.
Molecular consequence: missense variant.
Genome position (GRCh38, 1-based): chr12:40,323,266, T>G. VCF-style: chr12-40323266-T-G. GRCh37 (hg19) VCF-style: chr12-40717068-T-G.
Other names: short protein forms N1872K.
Identifiers: ClinVar variation 3540524 (VCV003540524.1).
Genomic context (GRCh38, chr12:40,323,266, plus strand): 5'-ATCTCAGATTGCCCCTGACTTGATTTTGGCTGACCTGCCTAGAAATATTATGTTGAATAA[T>G]GATGAGTTGGAATTTGAACAAGCTCCAGAGTTTCTCCTAGGTAATTCTTTTTGTTAATTT-3'
Protein context (NP_940980.4, residues 1862-1882): ADLPRNIMLN[Asn1872Lys]DELEFEQAPE

ClinVar aggregate classification (germline): Uncertain significance (1 of 4 stars; one submission).

Conditions:
Inborn genetic diseases. Identifiers: MedGen C0950123, MeSH D030342.

gnomAD v4.1: 1 of 1,613,036 alleles (0.000062%); highest among the groups gnomAD compares: Non-Finnish European, 0.000085%; no homozygotes.

Submission:

Ambry Genetics
Classification: Uncertain significance for Inborn genetic diseases. Last evaluated: 2024-07-09. Review status: criteria provided, single submitter. Criteria: Ambry Variant Classification Scheme 2023. Collection method: clinical testing. Allele origin: germline.
Comment: The p.N1872K variant (also known as c.5616T>G), located in coding exon 38 of the LRRK2 gene, results from a T to G substitution at nucleotide position 5616. The asparagine at codon 1872 is replaced by lysine, an amino acid with similar properties. This amino acid position is conserved. In addition, this alteration is predicted to be tolerated by in silico analysis. Based on the available evidence, the clinical significance of this variant remains unclear.